The following is an entry in ClinVar:

ClinVar aggregate classification (germline): Uncertain significance (1 of 4 stars; one submission).

gnomAD v4.1: 4 of 1,588,238 alleles (0.00025%); highest among the groups gnomAD compares: African/African-American, 0.0054%; no homozygotes.

Submission:

Labcorp Genetics (formerly Invitae), Labcorp
Classification: Uncertain significance. Last evaluated: 2024-05-13. Review status: criteria provided, single submitter. Criteria: Invitae Variant Classification Sherloc (09022015). Collection method: clinical testing. Allele origin: germline.
Comment: This sequence change replaces glycine, which is neutral and non-polar, with aspartic acid, which is acidic and polar, at codon 1452 of the AHDC1 protein (p.Gly1452Asp). The frequency data for this variant in the population databases is considered unreliable, as metrics indicate poor data quality at this position in the gnomAD database. This variant has not been reported in the literature in individuals affected with AHDC1-related conditions. An algorithm developed to predict the effect of missense changes on protein structure and function (PolyPhen-2) suggests that this variant is likely to be disruptive. In summary, the available evidence is currently insufficient to determine the role of this variant in disease. Therefore, it has been classified as a Variant of Uncertain Significance.

NM_001371928.1(AHDC1):c.4355G>A (p.Gly1452Asp)

Gene: AHDC1 (AT-hook DNA binding motif containing 1; minus strand). Cytogenetic location: 1p36.11.
Variant type: single nucleotide variant.
Coding change: c.4355G>A on transcript NM_001371928.1 (MANE Select); coding-DNA position 4355, G replaced by A.
Protein change: p.Gly1452Asp; replaces glycine 1452 with aspartic acid.
Molecular consequence: missense variant.
Genome position (GRCh38, 1-based): chr1:27,547,761, C>T on the plus strand (G>A on the coding strand, the complement: AHDC1 is on the minus strand). VCF-style: chr1-27547761-C-T. GRCh37 (hg19) VCF-style: chr1-27874272-C-T.
Other names: c.4355G>A, p.Gly1452Asp (NM_001029882.3); short protein forms G1452D.
Identifiers: ClinVar variation 3653184 (VCV003653184.2).
Genomic context (GRCh38, chr1:27,547,761, plus strand): 5'-GAGCCTGGAGGGTACCAATAGGCTGTGCCCTTGCAGCTGGGGGAATCGTAGTGGGGCTGG[C>T]CCAGCGGCAGGTCCCGGCAGCTCAGGTGGGCCTGGGCTGCAGCTGCGTGGCCCAGGCTGG-3'
Protein context (NP_001358857.1, residues 1442-1462): AHLSCRDLPL[Gly1452Asp]QPHYDSPSCK